The following is an entry in ClinVar:

NM_020693.4(DSCAML1):c.3995T>C (p.Ile1332Thr)

Gene: DSCAML1 (DS cell adhesion molecule like 1; minus strand). Cytogenetic location: 11q23.3.
Variant type: single nucleotide variant.
Coding change: c.3995T>C on transcript NM_020693.4 (MANE Select); coding-DNA position 3995, T replaced by C.
Protein change: p.Ile1332Thr; replaces isoleucine 1332 with threonine.
Molecular consequence: missense variant.
Genome position (GRCh38, 1-based): chr11:117,439,415, A>G on the plus strand (T>C on the coding strand, the complement: DSCAML1 is on the minus strand). VCF-style: chr11-117439415-A-G. GRCh37 (hg19) VCF-style: chr11-117310131-A-G.
Other names: short protein forms I1332T.
Identifiers: ClinVar variation 3689015 (VCV003689015.2).

ClinVar aggregate classification (germline): Uncertain significance (1 of 4 stars; one submission).

Submission:

Labcorp Genetics (formerly Invitae), Labcorp
Classification: Uncertain significance. Last evaluated: 2025-02-03. Review status: criteria provided, single submitter. Criteria: Invitae Variant Classification Sherloc (09022015). Collection method: clinical testing. Allele origin: germline.
Comment: This sequence change replaces isoleucine, which is neutral and non-polar, with threonine, which is neutral and polar, at codon 1392 of the DSCAML1 protein (p.Ile1392Thr). This variant is not present in population databases (gnomAD no frequency). This variant has not been reported in the literature in individuals affected with DSCAML1-related conditions. An algorithm developed to predict the effect of missense changes on protein structure and function (PolyPhen-2) suggests that this variant is likely to be tolerated. In summary, the available evidence is currently insufficient to determine the role of this variant in disease. Therefore, it has been classified as a Variant of Uncertain Significance.